The following is an entry in ClinVar:

ClinVar aggregate classification (germline): Uncertain significance (1 of 4 stars; one submission).

Conditions:
Cardiomyopathy (CMYO). Also called: Cardiomyopathies. Identifiers: Orphanet 167848, MedGen C0878544, MONDO:0004994, HP:0001638. Inheritance: Various modes of inheritance.

Submission:

Color Diagnostics, LLC DBA Color Health
Classification: Uncertain significance for Cardiomyopathy. Last evaluated: 2025-06-23. Review status: criteria provided, single submitter. Criteria: ACMG Guidelines, 2015. Collection method: clinical testing. Allele origin: germline.
Comment: This missense variant replaces leucine with tryptophan at codon 192 of the DSP protein. Computational prediction is inconclusive regarding the impact of this variant on protein structure and function. To our knowledge, functional studies have not been reported for this variant. This variant has not been reported in individuals affected with DSP-related disorders in the literature. This variant has not been identified in the general population by the Genome Aggregation Database (gnomAD). The available evidence is insufficient to determine the role of this variant in disease conclusively. Therefore, this variant is classified as a Variant of Uncertain Significance.

NM_004415.4(DSP):c.575T>G (p.Leu192Trp)

Gene: DSP (desmoplakin; plus strand). Cytogenetic location: 6p24.3.
Variant type: single nucleotide variant.
Coding change: c.575T>G on transcript NM_004415.4 (MANE Select); coding-DNA position 575, T replaced by G.
Protein change: p.Leu192Trp; replaces leucine 192 with tryptophan.
Molecular consequence: missense variant.
Genome position (GRCh38, 1-based): chr6:7,559,378, T>G. VCF-style: chr6-7559378-T-G. GRCh37 (hg19) VCF-style: chr6-7559611-T-G.
Other names: c.575T>G, p.Leu192Trp (NM_001008844.3, NM_001319034.2, NM_001406591.1); short protein forms L192W.
Identifiers: ClinVar variation 4757020 (VCV004757020.1).
Genomic context (GRCh38, chr6:7,559,378, plus strand): 5'-ACACTTGTCAGAGTGGCTCTGGCTGGGATGAGTTCACCAAACATGTCACCAGTGAATGTT[T>G]GGGGTGGATGAGGCAGCAAAGGGTAAGCAGCTTCTTGAACAGCCCAAACCTGTGCAGGCC-3'
Protein context (NP_004406.2, residues 182-202): EFTKHVTSEC[Leu192Trp]GWMRQQRAEM